The following is an entry in ClinVar:

ClinVar aggregate classification (germline): Uncertain significance. Review status: criteria provided, multiple submitters, no conflicts (2 of 4 stars). 3 submissions from 3 submitters: Uncertain significance (3). Last evaluated 2022-11-23.

Conditions:
Hereditary cancer-predisposing syndrome. Also called: Tumor predisposition; Hereditary neoplastic syndrome; Neoplastic Syndromes, Hereditary; Hereditary Cancer Syndrome. Identifiers: Orphanet 140162, MedGen C0027672, MeSH D009386, MONDO:0015356.
Familial thoracic aortic aneurysm and aortic dissection (TAAD). Also called: Thoracic aortic aneurysms and dissections. Identifiers: Orphanet 91387, MedGen C4707243, MONDO:0019625.
Juvenile polyposis syndrome (JPS). Identifiers: Orphanet 2929, MedGen C0345893, MONDO:0017380, OMIM 174900.

Allele frequency attached by ClinVar (database versions not stated): gnomAD exomes below 0.00001.
gnomAD v4.1: 1 of 1,611,204 alleles (0.000062%); highest among the groups gnomAD compares: East Asian, 0.0022%; no homozygotes.

Submissions (3):

Labcorp Genetics (formerly Invitae), Labcorp
Classification: Uncertain significance for Juvenile polyposis syndrome. Last evaluated: 2022-11-23. Review status: criteria provided, single submitter. Criteria: Invitae Variant Classification Sherloc (09022015). Collection method: clinical testing. Allele origin: germline.
Comment: This variant is not present in population databases (gnomAD no frequency). This sequence change falls in intron 6 of the SMAD4 gene. It does not directly change the encoded amino acid sequence of the SMAD4 protein. It affects a nucleotide within the consensus splice site. This variant has not been reported in the literature in individuals affected with SMAD4-related conditions. ClinVar contains an entry for this variant (Variation ID: 1385155). Variants that disrupt the consensus splice site are a relatively common cause of aberrant splicing (PMID: 17576681, 9536098). Algorithms developed to predict the effect of sequence changes on RNA splicing suggest that this variant is not likely to affect RNA splicing. In summary, the available evidence is currently insufficient to determine the role of this variant in disease. Therefore, it has been classified as a Variant of Uncertain Significance.

Sema4
Classification: Uncertain significance for Hereditary cancer-predisposing syndrome. Last evaluated: 2021-06-07. Review status: criteria provided, single submitter. Criteria: Sema4 Curation Guidelines. Collection method: curation. Allele origin: germline.
Comment: The SMAD4 c.787+4T>C variant has not been reported in the literature to our knowledge. It was not observed in the large and broad cohorts of the Genome Aggregation Database (PMID: 32461654), nor has it been reported in ClinVar. Splice site prediction tools suggest the variant does not disrupt normal splicing, however these predictions have not been confirmed by published transcriptional studies. The evidence is insufficient to meet ACMG/AMP criteria for classifying the variant as benign or pathogenic. Thus, the clinical significance of this variant is currently uncertain.

Ambry Genetics
Classification: Uncertain significance for Hereditary cancer-predisposing syndrome; Familial thoracic aortic aneurysm and aortic dissection. Last evaluated: 2021-03-26. Review status: criteria provided, single submitter. Criteria: Ambry Variant Classification Scheme 2023. Collection method: clinical testing. Allele origin: germline.
Comment: The c.787+4T>C intronic variant results from a T to C substitution 4 nucleotides after coding exon 5 in the SMAD4 gene. This nucleotide position is well conserved in available vertebrate species. In silico splice site analysis predicts that this alteration will not have any significant effect on splicing. Since supporting evidence is limited at this time, the clinical significance of this alteration remains unclear.

Literature cited by the submitters: PubMed 17576681 (cited by Labcorp Genetics (formerly Invitae), Labcorp); PubMed 9536098 (cited by Labcorp Genetics (formerly Invitae), Labcorp).

NM_005359.6(SMAD4):c.787+4T>C

Gene: SMAD4 (SMAD family member 4; plus strand). Cytogenetic location: 18q21.2.
Variant type: single nucleotide variant.
Coding change: c.787+4T>C on transcript NM_005359.6 (MANE Select); 4 bases into the intron after coding-DNA position 787, T replaced by C.
Molecular consequence: intron variant.
Genome position (GRCh38, 1-based): chr18:51,058,248, T>C. VCF-style: chr18-51058248-T-C. GRCh37 (hg19) VCF-style: chr18-48584618-T-C.
Identifiers: ClinVar variation 1385155 (VCV001385155.9), dbSNP rs2144427833, ClinGen allele CA2573155417.